The following is an entry in ClinVar:

ClinVar aggregate classification (germline): Uncertain significance. Review status: criteria provided, multiple submitters, no conflicts (2 of 4 stars). 2 submissions from 2 submitters: Uncertain significance (2). Last evaluated 2025-05-25.

Allele frequency attached by ClinVar (database versions not stated): TOPMed 0.00001; gnomAD 0.00002; gnomAD exomes 0.00003; ExAC 0.00004.
gnomAD v4.1: 53 of 1,612,732 alleles (0.0033%); highest among the groups gnomAD compares: East Asian, 0.018%; no homozygotes.

Submissions (2):

Ambry Genetics
Classification: Uncertain significance. Last evaluated: 2025-05-25. Review status: criteria provided, single submitter. Criteria: Ambry Variant Classification Scheme 2023. Collection method: clinical testing. Allele origin: germline.

Labcorp Genetics (formerly Invitae), Labcorp
Classification: Uncertain significance. Last evaluated: 2024-04-29. Review status: criteria provided, single submitter. Criteria: Invitae Variant Classification Sherloc (09022015). Collection method: clinical testing. Allele origin: germline.
Comment: This sequence change replaces alanine, which is neutral and non-polar, with threonine, which is neutral and polar, at codon 409 of the TRAP1 protein (p.Ala409Thr). This variant is present in population databases (rs749341264, gnomAD 0.01%). This variant has not been reported in the literature in individuals affected with TRAP1-related conditions. ClinVar contains an entry for this variant (Variation ID: 2170441). Advanced modeling of protein sequence and biophysical properties (such as structural, functional, and spatial information, amino acid conservation, physicochemical variation, residue mobility, and thermodynamic stability) performed at Invitae indicates that this missense variant is not expected to disrupt TRAP1 protein function with a negative predictive value of 80%. In summary, the available evidence is currently insufficient to determine the role of this variant in disease. Therefore, it has been classified as a Variant of Uncertain Significance.

NM_016292.3(TRAP1):c.1225G>A (p.Ala409Thr)

Gene: TRAP1 (TNF receptor associated protein 1; minus strand). Cytogenetic location: 16p13.3.
Variant type: single nucleotide variant.
Coding change: c.1225G>A on transcript NM_016292.3 (MANE Select); coding-DNA position 1225, G replaced by A.
Protein change: p.Ala409Thr; replaces alanine 409 with threonine.
Molecular consequence: missense variant.
Genome position (GRCh38, 1-based): chr16:3,671,732, C>T on the plus strand (G>A on the coding strand, the complement: TRAP1 is on the minus strand). VCF-style: chr16-3671732-C-T. GRCh37 (hg19) VCF-style: chr16-3721733-C-T.
Other names: c.1225G>A (NM_016292.2); c.1066G>A, p.Ala356Thr (NM_001272049.2); short protein forms A356T, A409T.
Identifiers: ClinVar variation 2170441 (VCV002170441.5), dbSNP rs749341264, ClinGen allele CA7868216.